The following is an entry in ClinVar:

NM_001395159.1(UNC79):c.5222C>G (p.Ser1741Cys)

Gene: UNC79 (unc-79 subunit of NALCN channel complex; plus strand). Cytogenetic location: 14q32.12.
Variant type: single nucleotide variant.
Coding change: c.5222C>G on transcript NM_001395159.1 (MANE Select); coding-DNA position 5222, C replaced by G.
Protein change: p.Ser1741Cys; replaces serine 1741 with cysteine.
Molecular consequence: missense variant.
Genome position (GRCh38, 1-based): chr14:93,622,239, C>G. VCF-style: chr14-93622239-C-G. GRCh37 (hg19) VCF-style: chr14-94088585-C-G.
Other names: c.5156C>G, p.Ser1719Cys (NM_001346218.2); c.4475C>G, p.Ser1492Cys (NM_020818.5); short protein forms S1492C, S1741C, S1719C.
Identifiers: ClinVar variation 3722220 (VCV003722220.3).

ClinVar aggregate classification (germline): Uncertain significance. Review status: criteria provided, multiple submitters, no conflicts (2 of 4 stars). 2 submissions from 2 submitters: Uncertain significance (2). Last evaluated 2026-03-05.

Conditions:
Epilepsy. Also called: Seizure disorder. Identifiers: MedGen C0014544, MeSH D004827, MONDO:0005027.

gnomAD v4.1: 2 of 1,614,062 alleles (0.00012%); highest among the groups gnomAD compares: Admixed American, 0.0017%; no homozygotes.

Submissions (2):

Mendelics
Classification: Uncertain significance for Epilepsy. Last evaluated: 2026-03-05. Review status: criteria provided, single submitter. Criteria: ACMG Guidelines, 2015. Collection method: clinical testing. Allele origin: unknown.
Comment: The available evidence is insufficient to conclusively determine the role of this variant. Therefore, it is classified as a Variant of Uncertain Significance.

Labcorp Genetics (formerly Invitae), Labcorp
Classification: Uncertain significance. Last evaluated: 2025-11-04. Review status: criteria provided, single submitter. Criteria: Invitae Variant Classification Sherloc (09022015). Collection method: clinical testing. Allele origin: germline.
Comment: This sequence change replaces serine, which is neutral and polar, with cysteine, which is neutral and slightly polar, at codon 1492 of the UNC79 protein (p.Ser1492Cys). This variant is present in population databases (rs750594521, gnomAD 0.0009%). This variant has not been reported in the literature in individuals affected with UNC79-related conditions. ClinVar contains an entry for this variant (Variation ID: 3722220). Experimental studies and prediction algorithms are not available or were not evaluated, and the functional significance of this variant is currently unknown. In summary, the available evidence is currently insufficient to determine the role of this variant in disease. Therefore, it has been classified as a Variant of Uncertain Significance.